The following is an entry in ClinVar:

NM_000137.4(FAH):c.845G>A (p.Arg282Lys)

Gene: FAH (fumarylacetoacetate hydrolase; plus strand). Cytogenetic location: 15q25.1.
Variant type: single nucleotide variant.
Coding change: c.845G>A on transcript NM_000137.4 (MANE Select); coding-DNA position 845, G replaced by A.
Protein change: p.Arg282Lys; replaces arginine 282 with lysine.
Molecular consequence: missense variant.
Genome position (GRCh38, 1-based): chr15:80,175,023, G>A. VCF-style: chr15-80175023-G-A. GRCh37 (hg19) VCF-style: chr15-80467365-G-A.
Other names: c.845G>A, p.Arg282Lys (NM_001374377.1, NM_001374380.1); short protein forms R282K.
Identifiers: ClinVar variation 2169072 (VCV002169072.2), dbSNP rs779537552, ClinGen allele CA7691376.

ClinVar aggregate classification (germline): Uncertain significance (1 of 4 stars; one submission).

Conditions:
Tyrosinemia type I (TYRSN1). Also called: FAH DEFICIENCY; Tyrosinemia type 1; Fumarylacetoacetase deficiency; Deficiency of fumarylacetoacetase; HEPATORENAL TYROSINEMIA. Identifiers: Orphanet 882, MedGen C0268490, MONDO:0010161, OMIM 276700. Disease mechanism: loss of function.

Allele frequency attached by ClinVar (database versions not stated): gnomAD 0.00001; TOPMed 0.00001; ExAC 0.00002; gnomAD exomes 0.00002.
gnomAD v4.1: 12 of 1,613,952 alleles (0.00074%); highest among the groups gnomAD compares: Non-Finnish European, 0.001%; no homozygotes.

Submission:

Labcorp Genetics (formerly Invitae), Labcorp
Classification: Uncertain significance for Tyrosinemia type I. Last evaluated: 2025-01-06. Review status: criteria provided, single submitter. Criteria: Invitae Variant Classification Sherloc (09022015). Collection method: clinical testing. Allele origin: germline.
Comment: This sequence change replaces arginine, which is basic and polar, with lysine, which is basic and polar, at codon 282 of the FAH protein (p.Arg282Lys). This variant is present in population databases (rs779537552, gnomAD 0.004%). This variant has not been reported in the literature in individuals affected with FAH-related conditions. ClinVar contains an entry for this variant (Variation ID: 2169072). Invitae Evidence Modeling of protein sequence and biophysical properties (such as structural, functional, and spatial information, amino acid conservation, physicochemical variation, residue mobility, and thermodynamic stability) indicates that this missense variant is not expected to disrupt FAH protein function with a negative predictive value of 80%. In summary, the available evidence is currently insufficient to determine the role of this variant in disease. Therefore, it has been classified as a Variant of Uncertain Significance.